The following is an entry in ClinVar:

ClinVar aggregate classification (germline): Pathogenic (1 of 4 stars; one submission).

Conditions:
RYR1-related disorder. Also called: RYR1-related condition; RYR1-related disorders. Identifiers: MedGen CN239331.

Allele frequency attached by ClinVar (database versions not stated): TOPMed below 0.00001; gnomAD 0.00001.
gnomAD v4.1: 2 of 1,613,154 alleles (0.00012%); highest among the groups gnomAD compares: African/African-American, 0.0027%; no homozygotes.

Submission:

Labcorp Genetics (formerly Invitae), Labcorp
Classification: Pathogenic for RYR1-related disorder. Last evaluated: 2023-05-18. Review status: criteria provided, single submitter. Criteria: Invitae Variant Classification Sherloc (09022015). Collection method: clinical testing. Allele origin: germline.
Comment: For these reasons, this variant has been classified as Pathogenic. This variant has not been reported in the literature in individuals affected with RYR1-related conditions. This variant is not present in population databases (gnomAD no frequency). This sequence change creates a premature translational stop signal (p.Gln2924*) in the RYR1 gene. It is expected to result in an absent or disrupted protein product. Loss-of-function variants in RYR1 are known to be pathogenic (PMID: 23919265, 25960145, 28818389, 30611313).

Literature cited by the submitters: PubMed 23919265; PubMed 25960145; PubMed 28818389; PubMed 30611313.

NM_000540.3(RYR1):c.8770C>T (p.Gln2924Ter)

Gene: RYR1 (ryanodine receptor 1; plus strand). Cytogenetic location: 19q13.2.
Variant type: single nucleotide variant.
Coding change: c.8770C>T on transcript NM_000540.3 (MANE Select); coding-DNA position 8770, C replaced by T.
Protein change: p.Gln2924Ter; replaces glutamine 2924 with a stop codon.
Molecular consequence: nonsense.
Genome position (GRCh38, 1-based): chr19:38,506,906, C>T. VCF-style: chr19-38506906-C-T. GRCh37 (hg19) VCF-style: chr19-38997546-C-T.
Other names: c.8770C>T, p.Gln2924Ter (NM_001042723.2); short protein forms Q2924*.
Identifiers: ClinVar variation 2984895 (VCV002984895.3), dbSNP rs1245659010, ClinGen allele CA405681221.
Genomic context (GRCh38, chr19:38,506,906, plus strand): 5'-CTGCTGGTCCCCTACGACACGCTCACGGCCAAGGAGAAGGCACGAGATCGAGAGAAGGCC[C>T]AGGAGCTACTGAAATTCCTGCAGATGAATGGCTACGCGGTTACAAGGCACGCGGGTTGGG-3'